The following is an entry in ClinVar:

NM_052844.4(DYNC2I2):c.633G>A (p.Ser211=)

Gene: DYNC2I2 (dynein 2 intermediate chain 2; minus strand). Cytogenetic location: 9q34.11.
Variant type: single nucleotide variant.
Coding change: c.633G>A on transcript NM_052844.4 (MANE Select); coding-DNA position 633, G replaced by A.
Protein change: p.Ser211=; no amino-acid change (serine 211 retained).
Molecular consequence: synonymous variant.
Genome position (GRCh38, 1-based): chr9:128,636,351, C>T on the plus strand (G>A on the coding strand, the complement: DYNC2I2 is on the minus strand). VCF-style: chr9-128636351-C-T. GRCh37 (hg19) VCF-style: chr9-131398630-C-T.
Identifiers: ClinVar variation 707374 (VCV000707374.10), dbSNP rs376954350, ClinGen allele CA5266538.

ClinVar aggregate classification (germline): Likely benign. Review status: criteria provided, single submitter (1 of 4 stars). 2 submissions from 2 submitters: Likely benign (1). 1 of the submissions does not count toward it. Last evaluated 2024-07-10.

Conditions:
DYNC2I2-related disorder. Also called: DYNC2I2-related condition.
Short-rib thoracic dysplasia 11 with or without polydactyly (SRTD11). Also called: SHORT-RIB THORACIC DYSPLASIA 11 WITHOUT POLYDACTYLY. Identifiers: Orphanet 474, Orphanet 93271, MedGen C3810200, MONDO:0014287, OMIM 615633.

Allele frequency attached by ClinVar (database versions not stated): gnomAD 0.00001; ExAC 0.00002; gnomAD exomes 0.00002; TOPMed 0.00002; ESP Exome Variant Server 0.00008.
gnomAD v4.1: 25 of 1,606,752 alleles (0.0016%); highest among the groups gnomAD compares: South Asian, 0.0033%; no homozygotes.

Submissions (2):

Labcorp Genetics (formerly Invitae), Labcorp
Classification: Likely benign for Short-rib thoracic dysplasia 11 with or without polydactyly. Last evaluated: 2024-07-10. Review status: criteria provided, single submitter. Criteria: Invitae Variant Classification Sherloc (09022015). Collection method: clinical testing. Allele origin: germline.

PreventionGenetics, part of Exact Sciences
Classification: Likely benign for DYNC2I2-related condition. Last evaluated: 2022-01-04. Review status: no assertion criteria provided. Collection method: clinical testing. Allele origin: germline. Not counted in ClinVar's aggregate classification.
Comment: This variant is classified as likely benign based on ACMG/AMP sequence variant interpretation guidelines (Richards et al. 2015 PMID: 25741868, with internal and published modifications).